The following is an entry in ClinVar:

ClinVar aggregate classification (germline): Uncertain significance (1 of 4 stars; one submission).

Conditions:
Combined immunodeficiency due to STIM1 deficiency. Also called: STIM1 DEFICIENCY; IMMUNODEFICIENCY 10. Identifiers: Orphanet 169090, Orphanet 317430, MedGen C2748557, MONDO:0013008, OMIM 612783.
Myopathy with tubular aggregates (TAM). Also called: Tubular Aggregate Myopathy. Identifiers: Orphanet 2593, MedGen C0410207, MONDO:0008051.
Stormorken syndrome (STRMK). Also called: THROMBOCYTOPATHY, ASPLENIA, AND MIOSIS. Identifiers: Orphanet 3204, MedGen C1861451, MONDO:0008497, OMIM 185070.

gnomAD v4.1: 3 of 1,613,968 alleles (0.00019%); highest among the groups gnomAD compares: Non-Finnish European, 0.00025%; no homozygotes.

Submission:

Labcorp Genetics (formerly Invitae), Labcorp
Classification: Uncertain significance for Myopathy with tubular aggregates; Combined immunodeficiency due to STIM1 deficiency; Stormorken syndrome. Last evaluated: 2018-07-09. Review status: criteria provided, single submitter. Criteria: Invitae Variant Classification Sherloc (09022015). Collection method: clinical testing. Allele origin: germline.
Comment: In summary, the available evidence is currently insufficient to determine the role of this variant in disease. Therefore, it has been classified as a Variant of Uncertain Significance. This variant has not been reported in the literature in individuals with STIM1-related disease. Algorithms developed to predict the effect of missense changes on protein structure and function (SIFT, PolyPhen-2, Align-GVGD) all suggest that this variant is likely to be tolerated, but these predictions have not been confirmed by published functional studies and their clinical significance is uncertain. This variant is not present in population databases (ExAC no frequency). This sequence change replaces histidine with aspartic acid at codon 99 of the STIM1 protein (p.His99Asp). The histidine residue is moderately conserved and there is a moderate physicochemical difference between histidine and aspartic acid.

NM_001382567.1(STIM1):c.295C>G (p.His99Asp)

Gene: STIM1 (stromal interaction molecule 1; plus strand). Cytogenetic location: 11p15.4.
Variant type: single nucleotide variant.
Coding change: c.295C>G on transcript NM_001382567.1 (MANE Select); coding-DNA position 295, C replaced by G.
Protein change: p.His99Asp; replaces histidine 99 with aspartic acid.
Molecular consequence: missense variant. On other transcripts: 5 prime UTR variant (3), non-coding transcript variant (3).
Genome position (GRCh38, 1-based): chr11:4,023,897, C>G. VCF-style: chr11-4023897-C-G. GRCh37 (hg19) VCF-style: chr11-4045127-C-G.
Other names: c.295C>G, p.His99Asp (NM_001277961.3, NM_001277962.2, NM_001382568.1 and 3 more transcripts); c.73C>G, p.His25Asp (NM_001382566.1, NM_001382573.1, NM_001382574.1 and 5 more transcripts); c.160C>G, p.His54Asp (NM_001382569.1); c.-74C>G (NM_001382571.1); c.-195C>G (NM_001382580.1, NM_001382581.1); short protein forms H99D, H25D, H54D.
Identifiers: ClinVar variation 666068 (VCV000666068.10), dbSNP rs1440304974, ClinGen allele CA379485208.